The following is an entry in ClinVar:

NM_144997.7(FLCN):c.349C>G (p.Leu117Val)

Gene: FLCN (folliculin; minus strand). Cytogenetic location: 17p11.2.
Variant type: single nucleotide variant.
Coding change: c.349C>G on transcript NM_144997.7 (MANE Select); coding-DNA position 349, C replaced by G.
Protein change: p.Leu117Val; replaces leucine 117 with valine.
Molecular consequence: missense variant.
Genome position (GRCh38, 1-based): chr17:17,226,223, G>C on the plus strand (C>G on the coding strand, the complement: FLCN is on the minus strand). VCF-style: chr17-17226223-G-C. GRCh37 (hg19) VCF-style: chr17-17129537-G-C.
Other names: c.349C>G, p.Leu117Val (NM_001353229.2, NM_001353230.2, NM_001353231.2 and 1 more transcripts); short protein forms L117V.
Identifiers: ClinVar variation 4700100 (VCV004700100.1).

ClinVar aggregate classification (germline): Uncertain significance (1 of 4 stars; one submission).

Conditions:
Birt-Hogg-Dube syndrome. Also called: Birt Hogg Dubé syndrome. Identifiers: Orphanet 122, MedGen C0346010, MONDO:0800444.

Submission:

Labcorp Genetics (formerly Invitae), Labcorp
Classification: Uncertain significance for Birt-Hogg-Dube syndrome. Last evaluated: 2025-06-09. Review status: criteria provided, single submitter. Criteria: Invitae Variant Classification Sherloc (09022015). Collection method: clinical testing. Allele origin: germline.
Comment: This sequence change replaces leucine, which is neutral and non-polar, with valine, which is neutral and non-polar, at codon 117 of the FLCN protein (p.Leu117Val). This variant is not present in population databases (gnomAD no frequency). This variant has not been reported in the literature in individuals affected with FLCN-related conditions. Invitae Evidence Modeling of protein sequence and biophysical properties (such as structural, functional, and spatial information, amino acid conservation, physicochemical variation, residue mobility, and thermodynamic stability) indicates that this missense variant is not expected to disrupt FLCN protein function with a negative predictive value of 80%. In summary, the available evidence is currently insufficient to determine the role of this variant in disease. Therefore, it has been classified as a Variant of Uncertain Significance.